The following is an entry in ClinVar:

ClinVar aggregate classification (germline): Uncertain significance (1 of 4 stars; one submission).

Conditions:
Anemia, nonspherocytic hemolytic, due to G6PD deficiency (CNSHA1). Also called: Hemolytic anemia due to G6PD deficiency; ANEMIA, CONGENITAL, NONSPHEROCYTIC HEMOLYTIC, 1; Class I glucose-6-phosphate dehydrogenase deficiency; Favism, susceptibility to. Identifiers: Orphanet 466026, MedGen C2720289, MONDO:0010480, OMIM 300908.

Submission:

Labcorp Genetics (formerly Invitae), Labcorp
Classification: Uncertain significance for Anemia, nonspherocytic hemolytic, due to G6PD deficiency. Last evaluated: 2021-12-22. Review status: criteria provided, single submitter. Criteria: Invitae Variant Classification Sherloc (09022015). Collection method: clinical testing. Allele origin: germline.
Comment: In summary, the available evidence is currently insufficient to determine the role of this variant in disease. Therefore, it has been classified as a Variant of Uncertain Significance. Algorithms developed to predict the effect of missense changes on protein structure and function (SIFT, PolyPhen-2, Align-GVGD) all suggest that this variant is likely to be tolerated. This variant has not been reported in the literature in individuals affected with G6PD-related conditions. This variant is not present in population databases (gnomAD no frequency). This sequence change replaces alanine, which is neutral and non-polar, with valine, which is neutral and non-polar, at codon 116 of the G6PD protein (p.Ala116Val).

NM_001360016.2(G6PD):c.347C>T (p.Ala116Val)

Gene: G6PD (glucose-6-phosphate dehydrogenase; minus strand). Cytogenetic location: Xq28.
Variant type: single nucleotide variant.
Coding change: c.347C>T on transcript NM_001360016.2 (MANE Select); coding-DNA position 347, C replaced by T.
Protein change: p.Ala116Val; replaces alanine 116 with valine.
Molecular consequence: missense variant.
Genome position (GRCh38, 1-based): chrX:154,535,306, G>A on the plus strand (C>T on the coding strand, the complement: G6PD is on the minus strand). VCF-style: chrX-154535306-G-A. GRCh37 (hg19) VCF-style: chrX-153763521-G-A.
Other names: c.437C>T, p.Ala146Val (NM_000402.4); c.347C>T, p.Ala116Val (NM_001042351.3); short protein forms A116V, A146V.
Identifiers: ClinVar variation 2052831 (VCV002052831.4), dbSNP rs2523271180, ClinGen allele CA415238856.